The following is an entry in ClinVar:

ClinVar aggregate classification (germline): Conflicting classifications of pathogenicity. Review status: criteria provided, conflicting classifications (1 of 4 stars). 2 submissions from 2 submitters: Uncertain significance (1); Likely benign (1). Last evaluated 2025-04-22.

Conditions:
Hereditary pheochromocytoma and paraganglioma. Also called: Hereditary paragangliomas and pheochromocytomas; Hereditary pheochromocytoma-paraganglioma; Hereditary Paraganglioma-Pheochromocytoma Syndromes. Identifiers: Orphanet 29072, MedGen C4274332, MONDO:0017366.

Allele frequency attached by ClinVar (database versions not stated): gnomAD exomes below 0.00001; TOPMed 0.00001.
gnomAD v4.1: 2 of 1,596,568 alleles (0.00013%); highest among the groups gnomAD compares: African/African-American, 0.0013%; no homozygotes.

Submissions (2):

Labcorp Genetics (formerly Invitae), Labcorp
Classification: Likely benign for Hereditary pheochromocytoma and paraganglioma. Last evaluated: 2025-04-22. Review status: criteria provided, single submitter. Criteria: Invitae Variant Classification Sherloc (09022015). Collection method: clinical testing. Allele origin: germline.

GeneDx
Classification: Uncertain significance. Last evaluated: 2024-07-17. Review status: criteria provided, single submitter. Criteria: GeneDx Variant Classification Process June 2021. Collection method: clinical testing. Allele origin: germline. Affected: yes.
Comment: Not observed at significant frequency in large population cohorts (gnomAD); In silico analysis indicates that this variant does not alter splicing; Has not been previously published as pathogenic or benign to our knowledge

NM_002382.5(MAX):c.37-6T>C

Gene: MAX (MYC associated transcriptional regulator X; minus strand). Cytogenetic location: 14q23.3.
Variant type: single nucleotide variant.
Coding change: c.37-6T>C on transcript NM_002382.5 (MANE Select); 6 bases into the intron before coding-DNA position 37, T replaced by C.
Molecular consequence: intron variant.
Genome position (GRCh38, 1-based): chr14:65,101,578, A>G on the plus strand (T>C on the coding strand, the complement: MAX is on the minus strand). VCF-style: chr14-65101578-A-G. GRCh37 (hg19) VCF-style: chr14-65568296-A-G.
Other names: c.36+726T>C (NM_001271069.2, NM_145112.3, NM_001271068.2); c.37-6T>C (NM_197957.4, NM_145113.3, NM_145114.3); c.-238-6T>C (NM_001320415.2).
Identifiers: ClinVar variation 732155 (VCV000732155.9), dbSNP rs1389763236, ClinGen allele CA707761283.